The following is an entry in ClinVar:

ClinVar aggregate classification (germline): Uncertain significance (1 of 4 stars; one submission).

Conditions:
Glycogen storage disease type III (GSD3). Also called: Cori disease; FORBES DISEASE. Identifiers: Orphanet 366, MedGen C0017922, MONDO:0009291, OMIM 232400.

Allele frequency attached by ClinVar (database versions not stated): gnomAD 0.00001.
gnomAD v4.1: 1 of 1,613,590 alleles (0.000062%); highest among the groups gnomAD compares: African/African-American, 0.0013%; no homozygotes.

Submission:

Labcorp Genetics (formerly Invitae), Labcorp
Classification: Uncertain significance for Glycogen storage disease type III. Last evaluated: 2025-08-30. Review status: criteria provided, single submitter. Criteria: Invitae Variant Classification Sherloc (09022015). Collection method: clinical testing. Allele origin: germline.
Comment: This sequence change replaces leucine, which is neutral and non-polar, with valine, which is neutral and non-polar, at codon 200 of the AGL protein (p.Leu200Val). This variant is present in population databases (no rsID available, gnomAD 0.01%). This variant has not been reported in the literature in individuals affected with AGL-related conditions. ClinVar contains an entry for this variant (Variation ID: 1504735). Invitae Evidence Modeling of protein sequence and biophysical properties (such as structural, functional, and spatial information, amino acid conservation, physicochemical variation, residue mobility, and thermodynamic stability) indicates that this missense variant is not expected to disrupt AGL protein function with a negative predictive value of 80%. Algorithms developed to predict the effect of sequence changes on RNA splicing suggest that this variant may disrupt the consensus splice site. In summary, the available evidence is currently insufficient to determine the role of this variant in disease. Therefore, it has been classified as a Variant of Uncertain Significance.

NM_000642.3(AGL):c.598C>G (p.Leu200Val)

Gene: AGL (amylo-alpha-1,6-glucosidase and 4-alpha-glucanotransferase; plus strand). Cytogenetic location: 1p21.2.
Variant type: single nucleotide variant.
Coding change: c.598C>G on transcript NM_000642.3 (MANE Select); coding-DNA position 598, C replaced by G.
Protein change: p.Leu200Val; replaces leucine 200 with valine.
Molecular consequence: missense variant.
Genome position (GRCh38, 1-based): chr1:99,864,523, C>G. VCF-style: chr1-99864523-C-G. GRCh37 (hg19) VCF-style: chr1-100330079-C-G.
Other names: c.598C>G, p.Leu200Val (NM_000028.3, NM_000643.3, NM_000644.3 and 3 more transcripts); c.550C>G, p.Leu184Val (NM_000646.3); c.220C>G, p.Leu74Val (NM_001425332.1); short protein forms L200V, L184V, L74V.
Identifiers: ClinVar variation 1504735 (VCV001504735.6), dbSNP rs1171638572, ClinGen allele CA341336103.